The following is an entry in ClinVar:

NM_018646.6(TRPV6):c.397G>A (p.Glu133Lys)

Gene: TRPV6 (transient receptor potential cation channel subfamily V member 6; minus strand). Cytogenetic location: 7q34.
Variant type: single nucleotide variant.
Coding change: c.397G>A on transcript NM_018646.6 (MANE Select); coding-DNA position 397, G replaced by A.
Protein change: p.Glu133Lys; replaces glutamic acid 133 with lysine.
Molecular consequence: missense variant.
Genome position (GRCh38, 1-based): chr7:142,877,723, C>T on the plus strand (G>A on the coding strand, the complement: TRPV6 is on the minus strand). VCF-style: chr7-142877723-C-T. GRCh37 (hg19) VCF-style: chr7-142575476-C-T.
Other names: short protein forms E133K.
Identifiers: ClinVar variation 4810675 (VCV004810675.1).

ClinVar aggregate classification (germline): Uncertain significance (1 of 4 stars; one submission).

Submission:

Labcorp Genetics (formerly Invitae), Labcorp
Classification: Uncertain significance. Last evaluated: 2025-03-07. Review status: criteria provided, single submitter. Criteria: Invitae Variant Classification Sherloc (09022015). Collection method: clinical testing. Allele origin: germline.
Comment: This sequence change replaces glutamic acid, which is acidic and polar, with lysine, which is basic and polar, at codon 133 of the TRPV6 protein (p.Glu133Lys). This variant is not present in population databases (gnomAD no frequency). This variant has not been reported in the literature in individuals affected with TRPV6-related conditions. Experimental studies and prediction algorithms are not available or were not evaluated, and the functional significance of this variant is currently unknown. In summary, the available evidence is currently insufficient to determine the role of this variant in disease. Therefore, it has been classified as a Variant of Uncertain Significance.